The following is an entry in ClinVar:

ClinVar aggregate classification (germline): Uncertain significance (1 of 4 stars; one submission).

Allele frequency attached by ClinVar (database versions not stated): gnomAD exomes below 0.00001; ExAC 0.00001; gnomAD 0.00002; TOPMed 0.00002.
gnomAD v4.1: 5 of 1,613,096 alleles (0.00031%); highest among the groups gnomAD compares: Non-Finnish European, 0.00034%; no homozygotes.

Submission:

Labcorp Genetics (formerly Invitae), Labcorp
Classification: Uncertain significance. Last evaluated: 2024-04-29. Review status: criteria provided, single submitter. Criteria: Invitae Variant Classification Sherloc (09022015). Collection method: clinical testing. Allele origin: germline.
Comment: This sequence change replaces methionine, which is neutral and non-polar, with isoleucine, which is neutral and non-polar, at codon 977 of the FRAS1 protein (p.Met977Ile). This variant is present in population databases (rs777107981, gnomAD 0.0009%). This variant has not been reported in the literature in individuals affected with FRAS1-related conditions. ClinVar contains an entry for this variant (Variation ID: 1914363). Algorithms developed to predict the effect of missense changes on protein structure and function output the following: SIFT: "Not Available"; PolyPhen-2: "Benign"; Align-GVGD: "Not Available". The isoleucine amino acid residue is found in multiple mammalian species, which suggests that this missense change does not adversely affect protein function. In summary, the available evidence is currently insufficient to determine the role of this variant in disease. Therefore, it has been classified as a Variant of Uncertain Significance.

NM_025074.7(FRAS1):c.2931G>A (p.Met977Ile)

Gene: FRAS1 (Fraser extracellular matrix complex subunit 1; plus strand). Cytogenetic location: 4q21.21.
Variant type: single nucleotide variant.
Coding change: c.2931G>A on transcript NM_025074.7 (MANE Select); coding-DNA position 2931, G replaced by A.
Protein change: p.Met977Ile; replaces methionine 977 with isoleucine.
Molecular consequence: missense variant.
Genome position (GRCh38, 1-based): chr4:78,372,779, G>A. VCF-style: chr4-78372779-G-A. GRCh37 (hg19) VCF-style: chr4-79293933-G-A.
Other names: c.2931G>A, p.Met977Ile (NM_001166133.2); short protein forms M977I.
Identifiers: ClinVar variation 1914363 (VCV001914363.4), dbSNP rs777107981, ClinGen allele CA2976771.